The following is an entry in ClinVar:

ClinVar aggregate classification (germline): Uncertain significance. Review status: criteria provided, multiple submitters, no conflicts (2 of 4 stars). 3 submissions from 3 submitters: Uncertain significance (3). Last evaluated 2025-12-13.

Conditions:
Retinitis pigmentosa 77 (RP77). Identifiers: MedGen C4310626, MONDO:0015013, OMIM 617304.

Allele frequency attached by ClinVar (database versions not stated): ExAC 0.00003.
gnomAD v4.1: 10 of 1,608,178 alleles (0.00062%); highest among the groups gnomAD compares: East Asian, 0.02%; no homozygotes.

Submissions (3):

3billion
Classification: Uncertain significance for Retinitis pigmentosa 77. Last evaluated: 2025-12-13. Review status: criteria provided, single submitter. Criteria: ACMG Guidelines, 2015. Collection method: clinical testing. Allele origin: germline. Affected: yes.
Comment: The variant is observed at an extremely low frequency in the gnomAD v4.1.0 dataset (total allele frequency: <0.001%). Predicted Consequence/Location: Intron variant In silico tools predict the variant to alter splicing and produce an abnormal transcript [SpliceAI: 0.96 (>=0.2, moderate evidence for spliceogenicity)]. The variant has been reported as of uncertain significance (ClinVar ID: VCV002043925). Therefore, this variant is classified as VUS according to the recommendation of ACMG/AMP guideline.

Labcorp Genetics (formerly Invitae), Labcorp
Classification: Uncertain significance. Last evaluated: 2022-07-23. Review status: criteria provided, single submitter. Criteria: Invitae Variant Classification Sherloc (09022015). Collection method: clinical testing. Allele origin: germline.
Comment: This sequence change falls in intron 4 of the REEP6 gene. It does not directly change the encoded amino acid sequence of the REEP6 protein. It affects a nucleotide within the consensus splice site. This variant is present in population databases (rs761318551, gnomAD 0.05%). This variant has not been reported in the literature in individuals affected with REEP6-related conditions. Variants that disrupt the consensus splice site are a relatively common cause of aberrant splicing (PMID: 17576681, 9536098). Algorithms developed to predict the effect of sequence changes on RNA splicing suggest that this variant may disrupt the consensus splice site. In summary, the available evidence is currently insufficient to determine the role of this variant in disease. Therefore, it has been classified as a Variant of Uncertain Significance.

Juno Genomics, Hangzhou Juno Genomics, Inc
Classification: Uncertain significance for Retinitis pigmentosa 77. Review status: criteria provided, single submitter. Criteria: ACMG Guidelines, 2015. Collection method: clinical testing. Allele origin: germline.
Comment: Absent from controls (or at extremely low frequency if recessive) in Genome Aggregation Database.;Multiple lines of computational evidence support a deleterious effect on the gene or gene product.;Patient's phenotype or family history is highly specific for a disease with a single genetic etiology.

Literature cited by the submitters: PubMed 17576681 (cited by Labcorp Genetics (formerly Invitae), Labcorp); PubMed 9536098 (cited by Labcorp Genetics (formerly Invitae), Labcorp).

NM_138393.4(REEP6):c.517+5G>T

Gene: REEP6 (receptor accessory protein 6; plus strand). Cytogenetic location: 19p13.3.
Variant type: single nucleotide variant.
Coding change: c.517+5G>T on transcript NM_138393.4 (MANE Select); 5 bases into the intron after coding-DNA position 517, G replaced by T.
Molecular consequence: intron variant.
Genome position (GRCh38, 1-based): chr19:1,496,458, G>T. VCF-style: chr19-1496458-G-T. GRCh37 (hg19) VCF-style: chr19-1496457-G-T.
Other names: c.517+5G>T (NM_001329556.3).
Identifiers: ClinVar variation 2043925 (VCV002043925.7), dbSNP rs761318551, ClinGen allele CA9047603.